The following is an entry in ClinVar:

NM_025074.7(FRAS1):c.9484A>G (p.Ile3162Val)

Gene: FRAS1 (Fraser extracellular matrix complex subunit 1; plus strand). Cytogenetic location: 4q21.21.
Variant type: single nucleotide variant.
Coding change: c.9484A>G on transcript NM_025074.7 (MANE Select); coding-DNA position 9484, A replaced by G.
Protein change: p.Ile3162Val; replaces isoleucine 3162 with valine.
Molecular consequence: missense variant.
Genome position (GRCh38, 1-based): chr4:78,507,588, A>G. VCF-style: chr4-78507588-A-G. GRCh37 (hg19) VCF-style: chr4-79428742-A-G.
Other names: short protein forms I3162V.
Identifiers: ClinVar variation 1949580 (VCV001949580.5), dbSNP rs1364375546, ClinGen allele CA357379522.

ClinVar aggregate classification (germline): Uncertain significance (1 of 4 stars; one submission).

Allele frequency attached by ClinVar (database versions not stated): TOPMed below 0.00001; gnomAD 0.00001.
gnomAD v4.1: 6 of 1,601,242 alleles (0.00037%); highest among the groups gnomAD compares: East Asian, 0.0023%; no homozygotes.

Submission:

Labcorp Genetics (formerly Invitae), Labcorp
Classification: Uncertain significance. Last evaluated: 2024-06-03. Review status: criteria provided, single submitter. Criteria: Invitae Variant Classification Sherloc (09022015). Collection method: clinical testing. Allele origin: germline.
Comment: This sequence change replaces isoleucine, which is neutral and non-polar, with valine, which is neutral and non-polar, at codon 3162 of the FRAS1 protein (p.Ile3162Val). This variant is present in population databases (no rsID available, gnomAD 0.006%). This variant has not been reported in the literature in individuals affected with FRAS1-related conditions. ClinVar contains an entry for this variant (Variation ID: 1949580). Advanced modeling of protein sequence and biophysical properties (such as structural, functional, and spatial information, amino acid conservation, physicochemical variation, residue mobility, and thermodynamic stability) has been performed at Invitae for this missense variant, however the output from this modeling did not meet the statistical confidence thresholds required to predict the impact of this variant on FRAS1 protein function. In summary, the available evidence is currently insufficient to determine the role of this variant in disease. Therefore, it has been classified as a Variant of Uncertain Significance.